The following is an entry in ClinVar:

ClinVar aggregate classification (germline): Uncertain significance (1 of 4 stars; one submission).

Conditions:
Cardiovascular phenotype. Identifiers: MedGen CN230736.

Allele frequency attached by ClinVar (database versions not stated): gnomAD exomes 0.00004; gnomAD 0.00001; TOPMed 0.00001.
gnomAD v4.1: 60 of 1,611,106 alleles (0.0037%); highest among the groups gnomAD compares: Non-Finnish European, 0.005%; no homozygotes.

Submission:

Ambry Genetics
Classification: Uncertain significance for Cardiovascular phenotype. Last evaluated: 2025-09-17. Review status: criteria provided, single submitter. Criteria: Ambry Variant Classification Scheme 2023. Collection method: clinical testing. Allele origin: germline.
Comment: The p.K267T variant (also known as c.800A>C), located in coding exon 3 of the RASA1 gene, results from an A to C substitution at nucleotide position 800. The lysine at codon 267 is replaced by threonine, an amino acid with similar properties. This amino acid position is conserved. In addition, the in silico prediction for this alteration is inconclusive. Since supporting evidence is limited at this time, the clinical significance of this alteration remains unclear.

NM_002890.3(RASA1):c.800A>C (p.Lys267Thr)

Genes: CCNH (cyclin H; minus strand), RASA1 (RAS p21 protein activator 1; plus strand). Cytogenetic location: 5q14.3.
Variant type: single nucleotide variant.
Coding change: c.800A>C on transcript NM_002890.3 (MANE Select); coding-DNA position 800, A replaced by C.
Protein change: p.Lys267Thr; replaces lysine 267 with threonine.
Molecular consequence: missense variant. On other transcripts: intron variant (1).
Genome position (GRCh38, 1-based): chr5:87,332,614, A>C. VCF-style: chr5-87332614-A-C. GRCh37 (hg19) VCF-style: chr5-86628431-A-C.
Other names: c.269A>C, p.Lys90Thr (NM_022650.3); c.934-19819T>G (NM_001364075.2); short protein forms K267T, K90T.
Identifiers: ClinVar variation 1761626 (VCV001761626.2), dbSNP rs936994492, ClinGen allele CA121817648.